The following is an entry in ClinVar:

NM_001263.4(CDS1):c.1257-8A>G

Gene: CDS1 (CDP-diacylglycerol synthase 1; plus strand). Cytogenetic location: 4q21.23.
Variant type: single nucleotide variant.
Coding change: c.1257-8A>G on transcript NM_001263.4 (MANE Select); 8 bases into the intron before coding-DNA position 1257, A replaced by G.
Molecular consequence: intron variant.
Genome position (GRCh38, 1-based): chr4:84,648,549, A>G. VCF-style: chr4-84648549-A-G. GRCh37 (hg19) VCF-style: chr4-85569702-A-G.
Identifiers: ClinVar variation 3050570 (VCV003050570.2), dbSNP rs372703799, ClinGen allele CA2991862.
Genomic context (GRCh38, chr4:84,648,549, plus strand): 5'-GGAGGTATGTGCTTCACTTATCCCTATTAAAATAACACGAACTTGTCTTCTTTGCCTTTT[A>G]TCATTAGGGGCCCAAATCCCAGCAAAGTGCTACAGCAGTTGTTGGTGCTTCAACCTGAAC-3'

ClinVar aggregate classification (germline): Likely benign (0 of 4 stars; one submission).

Conditions:
CDS1-related disorder. Also called: CDS1-related condition.

Allele frequency attached by ClinVar (database versions not stated): ExAC 0.00009; ESP Exome Variant Server 0.00015; gnomAD exomes 0.00016; gnomAD 0.00020; TOPMed 0.00022.

Submission:

PreventionGenetics, part of Exact Sciences
Classification: Likely benign for CDS1-related condition. Last evaluated: 2019-07-12. Review status: no assertion criteria provided. Collection method: clinical testing. Allele origin: germline.
Comment: This variant is classified as likely benign based on ACMG/AMP sequence variant interpretation guidelines (Richards et al. 2015 PMID: 25741868, with internal and published modifications).